The following is an entry in ClinVar:

NM_001164508.2(NEB):c.19836+6T>C

Gene: NEB (nebulin; minus strand). Cytogenetic location: 2q23.3.
Variant type: single nucleotide variant.
Coding change: c.19836+6T>C on transcript NM_001164508.2 (MANE Select); 6 bases into the intron after coding-DNA position 19836, T replaced by C.
Molecular consequence: intron variant.
Genome position (GRCh38, 1-based): chr2:151,552,666, A>G on the plus strand (T>C on the coding strand, the complement: NEB is on the minus strand). VCF-style: chr2-151552666-A-G. GRCh37 (hg19) VCF-style: chr2-152409180-A-G.
Other names: c.14733+6T>C (NM_004543.5); c.19836+6T>C (NM_001164507.2, NM_001271208.2).
Identifiers: ClinVar variation 1426202 (VCV001426202.5), dbSNP rs2153653644, ClinGen allele CA2573133344.
Genomic context (GRCh38, chr2:151,552,666, plus strand): 5'-CCACCTCTGCTTGAGTGGTGGCCCTGCTTTATTACTGTCCACTTAACTTCCCCAGTGATC[A>G]CTTACGTCACTTAGCTGTTTCCCACTTTTGACAGCCTGCACGTAGACTGGTGTATCTGTG-3'

ClinVar aggregate classification (germline): Uncertain significance (1 of 4 stars; one submission).

Conditions:
Nemaline myopathy 2 (NEM2). Also called: Nemaline myopathy 2, autosomal recessive. Identifiers: MedGen C1850569, MONDO:0009725, OMIM 256030.

gnomAD v4.1: 1 of 1,603,372 alleles (0.000062%); highest among the groups gnomAD compares: Admixed American, 0.0017%; no homozygotes.

Submission:

Labcorp Genetics (formerly Invitae), Labcorp
Classification: Uncertain significance for Nemaline myopathy 2. Last evaluated: 2024-02-05. Review status: criteria provided, single submitter. Criteria: Invitae Variant Classification Sherloc (09022015). Collection method: clinical testing. Allele origin: germline.
Comment: This sequence change falls in intron 128 of the NEB gene. It does not directly change the encoded amino acid sequence of the NEB protein. It affects a nucleotide within the consensus splice site. This variant is not present in population databases (gnomAD no frequency). This variant has not been reported in the literature in individuals affected with NEB-related conditions. ClinVar contains an entry for this variant (Variation ID: 1426202). Variants that disrupt the consensus splice site are a relatively common cause of aberrant splicing (PMID: 17576681, 9536098). Algorithms developed to predict the effect of sequence changes on RNA splicing suggest that this variant may disrupt the consensus splice site. In summary, the available evidence is currently insufficient to determine the role of this variant in disease. Therefore, it has been classified as a Variant of Uncertain Significance.

Literature cited by the submitters: PubMed 17576681; PubMed 9536098.